The following is an entry in ClinVar:

NM_000059.4(BRCA2):c.4105_4141del (p.Ser1369fs)

Gene: BRCA2 (BRCA2 DNA repair associated; plus strand). Cytogenetic location: 13q13.1.
Variant type: Deletion.
Coding change: c.4105_4141del on transcript NM_000059.4 (MANE Select); coding-DNA positions 4105 to 4141, 37 bases deleted.
Protein change: p.Ser1369fs; shifts the reading frame from serine 1369.
Molecular consequence: frameshift variant. On other transcripts: intron variant (2), non-coding transcript variant (1).
Genome position (GRCh38, 1-based): chr13:32,338,460-32,338,496, 37 bases deleted; deleting any 37 consecutive bases within chr13:32,338,456-32,338,496 gives the same sequence; the c. name uses the placement nearest the transcript's 3' end. GRCh37 (hg19): chr13:32,912,597-32,912,633.
Other names: c.425-6098_425-6062del (NM_001406722.1); c.4105_4141del37, p.Ser1369Lysfs (NM_000059.3); c.4105_4141del, p.Ser1369fs (NM_001406719.1, NM_001406720.1); c.1909+5073_1909+5109del (NM_001406721.1); c.4105_4141del (NM_000059.3); short protein forms S1369fs.
Identifiers: ClinVar variation 3226633 (VCV003226633.2), dbSNP rs2548527638, ClinGen allele CA2825002135.
Genomic context (GRCh38, chr13:32,338,455, plus strand): 5'-TTTGTATTCATAAAGATGAAACGGACTTGCTATTTACTGATCAGCACAACATATGTCTTA[AATTATCTGGCCAGTTTATGAAGGAGGGAAACACTCAG>A]ATTAAAGAAGATTTGTCAGATTTAACTTTTTTGGAAGTTGCGAAAGCTCAAGAAGCATGT-3'

ClinVar aggregate classification (germline): Pathogenic/Likely pathogenic. Review status: criteria provided, multiple submitters, no conflicts (2 of 4 stars). 2 submissions from 2 submitters: Pathogenic (1); Likely pathogenic (1). Last evaluated 2024-06-27.

Conditions:
Hereditary cancer-predisposing syndrome. Also called: Neoplastic Syndromes, Hereditary; Tumor predisposition; Hereditary neoplastic syndrome; Hereditary Cancer Syndrome. Identifiers: Orphanet 140162, MedGen C0027672, MeSH D009386, MONDO:0015356.

Submissions (2):

Quest Diagnostics Nichols Institute San Juan Capistrano
Classification: Likely pathogenic. Last evaluated: 2024-06-27. Review status: criteria provided, single submitter. Criteria: Quest Diagnostics criteria. Collection method: clinical testing. Allele origin: unknown.
Comment: The BRCA2 c.4105_4141del (p.Ser1369Lysfs*7) variant alters the translational reading frame of the BRCA2 mRNA and is predicted to cause the premature termination of BRCA2 protein synthesis. This variant has not been reported in individuals with BRCA2-related conditions in the published literature. This variant has not been reported in large, multi-ethnic general populations (Genome Aggregation Database). Based on the available information, this variant is classified as likely pathogenic.

Ambry Genetics
Classification: Pathogenic for Hereditary cancer-predisposing syndrome. Last evaluated: 2024-03-08. Review status: criteria provided, single submitter. Criteria: Ambry Variant Classification Scheme 2023. Collection method: clinical testing. Allele origin: germline.
Comment: The c.4105_4141del37 pathogenic mutation, located in coding exon 10 of the BRCA2 gene, results from a deletion of 37 nucleotides at nucleotide positions 4105 to 4141, causing a translational frameshift with a predicted alternate stop codon (p.S1369Kfs*7). This variant is considered to be rare based on population cohorts in the Genome Aggregation Database (gnomAD). This alteration is expected to result in loss of function by premature protein truncation or nonsense-mediated mRNA decay. As such, this alteration is interpreted as a disease-causing mutation.